The following is an entry in ClinVar:

ClinVar aggregate classification (germline): Uncertain significance. Review status: criteria provided, multiple submitters, no conflicts (2 of 4 stars). 2 submissions from 2 submitters: Uncertain significance (2). Last evaluated 2022-07-01.

Conditions:
Inborn genetic diseases. Identifiers: MedGen C0950123, MeSH D030342.

Allele frequency attached by ClinVar (database versions not stated): gnomAD exomes 0.00001.
gnomAD v4.1: 11 of 1,456,886 alleles (0.00076%); highest among the groups gnomAD compares: South Asian, 0.0012%; no homozygotes.

Submissions (2):

Labcorp Genetics (formerly Invitae), Labcorp
Classification: Uncertain significance. Last evaluated: 2022-07-01. Review status: criteria provided, single submitter. Criteria: Invitae Variant Classification Sherloc (09022015). Collection method: clinical testing. Allele origin: germline.
Comment: In summary, the available evidence is currently insufficient to determine the role of this variant in disease. Therefore, it has been classified as a Variant of Uncertain Significance. Algorithms developed to predict the effect of missense changes on protein structure and function (SIFT, PolyPhen-2, Align-GVGD) all suggest that this variant is likely to be disruptive. This variant has not been reported in the literature in individuals affected with PRPF31-related conditions. The frequency data for this variant in the population databases is considered unreliable, as metrics indicate poor data quality at this position in the gnomAD database. This sequence change replaces arginine, which is basic and polar, with glutamine, which is neutral and polar, at codon 372 of the PRPF31 protein (p.Arg372Gln).

Ambry Genetics
Classification: Uncertain significance for Inborn genetic diseases. Last evaluated: 2022-04-14. Review status: criteria provided, single submitter. Criteria: Ambry Variant Classification Scheme 2023. Collection method: clinical testing. Allele origin: germline.

NM_015629.4(PRPF31):c.1115G>A (p.Arg372Gln)

Gene: PRPF31 (pre-mRNA processing factor 31; plus strand). Cytogenetic location: 19q13.42.
Variant type: single nucleotide variant.
Coding change: c.1115G>A on transcript NM_015629.4 (MANE Select); coding-DNA position 1115, G replaced by A.
Protein change: p.Arg372Gln; replaces arginine 372 with glutamine.
Molecular consequence: missense variant.
Genome position (GRCh38, 1-based): chr19:54,128,346, G>A. VCF-style: chr19-54128346-G-A. GRCh37 (hg19) VCF-style: chr19-54631721-G-A.
Other names: short protein forms R372Q.
Identifiers: ClinVar variation 2103389 (VCV002103389.5), dbSNP rs1472231888, ClinGen allele CA407753851.
Genomic context (GRCh38, chr19:54,128,346, plus strand): 5'-CCCACCCACCCGTCCCCAGGTACCGCAAGATGAAGGAGCGGCTGGGGCTGACGGAGATCC[G>A]GAAGCAGGCCAACCGTATGAGCTTCGGAGAGGTCAGACTCCCAGAGCGCCCTCCTCAACC-3'
Protein context (NP_056444.3, residues 362-382): MKERLGLTEI[Arg372Gln]KQANRMSFGE